The following is an entry in ClinVar:

NM_139027.6(ADAMTS13):c.652C>T (p.Leu218=)

Gene: ADAMTS13 (ADAM metallopeptidase with thrombospondin type 1 motif 13; plus strand). Cytogenetic location: 9q34.2.
Variant type: single nucleotide variant.
Coding change: c.652C>T on transcript NM_139027.6 (MANE Select); coding-DNA position 652, C replaced by T.
Protein change: p.Leu218=; no amino-acid change (leucine 218 retained).
Molecular consequence: synonymous variant. On other transcripts: non-coding transcript variant (1).
Genome position (GRCh38, 1-based): chr9:133,426,311, C>T. VCF-style: chr9-133426311-C-T. GRCh37 (hg19) VCF-style: chr9-136291431-C-T.
Other names: p.Leu218=; c.652C>T, p.Leu218= (NM_139025.5, NM_139026.6).
Identifiers: ClinVar variation 4683453 (VCV004683453.1).

ClinVar aggregate classification (germline): Likely benign (1 of 4 stars; one submission).

Submission:

Mayo Clinic Laboratories, Mayo Clinic
Classification: Likely benign. Last evaluated: 2025-04-07. Review status: criteria provided, single submitter. Criteria: ACMG Guidelines, 2015. Collection method: clinical testing. Allele origin: germline. Observed: 1 variant allele.
Comment: BP4, BP7